The following is an entry in ClinVar:

ClinVar aggregate classification (germline): Uncertain significance (1 of 4 stars; one submission).

Conditions:
Developmental and epileptic encephalopathy, 11 (DEE11). Also called: Early infantile epileptic encephalopathy 11. Identifiers: Orphanet 1934, MedGen C3150987, MONDO:0013388, OMIM 613721.
Seizures, benign familial infantile, 3 (BFIS3). Also called: Familial neonatal seizures; CONVULSIONS, BENIGN FAMILIAL INFANTILE, 3. Identifiers: Orphanet 140927, Orphanet 306, MedGen C1843140, MONDO:0011904, OMIM 607745.

Submission:

Labcorp Genetics (formerly Invitae), Labcorp
Classification: Uncertain significance for Seizures, benign familial infantile, 3; Developmental and epileptic encephalopathy, 11. Last evaluated: 2023-07-18. Review status: criteria provided, single submitter. Criteria: Invitae Variant Classification Sherloc (09022015). Collection method: clinical testing. Allele origin: germline.
Comment: In summary, the available evidence is currently insufficient to determine the role of this variant in disease. Therefore, it has been classified as a Variant of Uncertain Significance. Advanced modeling of protein sequence and biophysical properties (such as structural, functional, and spatial information, amino acid conservation, physicochemical variation, residue mobility, and thermodynamic stability) performed at Invitae indicates that this missense variant is expected to disrupt SCN2A protein function. This variant has not been reported in the literature in individuals affected with SCN2A-related conditions. This variant is not present in population databases (gnomAD no frequency). This sequence change replaces leucine, which is neutral and non-polar, with valine, which is neutral and non-polar, at codon 1818 of the SCN2A protein (p.Leu1818Val).

NM_001040142.2(SCN2A):c.5452C>G (p.Leu1818Val)

Gene: SCN2A (sodium voltage-gated channel alpha subunit 2; plus strand). Cytogenetic location: 2q24.3.
Variant type: single nucleotide variant.
Coding change: c.5452C>G on transcript NM_001040142.2 (MANE Select); coding-DNA position 5452, C replaced by G.
Protein change: p.Leu1818Val; replaces leucine 1818 with valine.
Molecular consequence: missense variant.
Genome position (GRCh38, 1-based): chr2:165,389,258, C>G. VCF-style: chr2-165389258-C-G. GRCh37 (hg19) VCF-style: chr2-166245768-C-G.
Other names: c.5452C>G, p.Leu1818Val (NM_001040143.2, NM_001371246.1, NM_001371247.1 and 1 more transcripts); short protein forms L1818V.
Identifiers: ClinVar variation 2950013 (VCV002950013.3), dbSNP rs2468159244, ClinGen allele CA349039018.